The following is an entry in ClinVar:

ClinVar aggregate classification (germline): Benign/Likely benign. Review status: criteria provided, multiple submitters, no conflicts (2 of 4 stars). 8 submissions from 8 submitters: Benign (6); Likely benign (2). Last evaluated 2026-02-01.

Conditions:
Autosomal recessive nonsyndromic hearing loss 30. Identifiers: Orphanet 90636, MedGen C1846784, MONDO:0011774, OMIM 607101.

Allele frequency attached by ClinVar (database versions not stated): 1000 Genomes Project 0.04852; 1000 Genomes Project 30x 0.05106; gnomAD exomes 0.07072; ExAC 0.07147; gnomAD 0.07818 and 0.08016; TOPMed 0.07925; ESP Exome Variant Server 0.08881.
gnomAD v4.1: 137,372 of 1,613,856 alleles (8.5%); highest among the groups gnomAD compares: Non-Finnish European, 9.6%; 6,413 homozygotes.

Submissions (8):

Labcorp Genetics (formerly Invitae), Labcorp
Classification: Benign. Last evaluated: 2026-02-01. Review status: criteria provided, single submitter. Criteria: Invitae Variant Classification Sherloc (09022015). Collection method: clinical testing. Allele origin: germline.

Genome-Nilou Lab
Classification: Benign for Autosomal recessive nonsyndromic hearing loss 30. Last evaluated: 2021-09-05. Review status: criteria provided, single submitter. Criteria: ACMG Guidelines, 2015. Collection method: clinical testing. Allele origin: germline. Affected: no.

Mayo Clinic Laboratories, Mayo Clinic
Classification: Benign. Last evaluated: 2020-12-09. Review status: criteria provided, single submitter. Criteria: ACMG Guidelines, 2015. Collection method: clinical testing. Allele origin: germline. Observed: 23 variant alleles.

Illumina Laboratory Services, Illumina
Classification: Likely benign for Autosomal recessive nonsyndromic hearing loss 30. Last evaluated: 2018-01-12. Review status: criteria provided, single submitter. Criteria: ICSL Variant Classification Criteria 13 December 2019. Collection method: clinical testing. Allele origin: germline.
Comment: This variant was observed in the ICSL laboratory as part of a predisposition screen in an ostensibly healthy population. It had not been previously curated by ICSL or reported in the Human Gene Mutation Database (HGMD: prior to June 1st, 2018), and was therefore a candidate for classification through an automated scoring system. Utilizing variant allele frequency, disease prevalence and penetrance estimates, and inheritance mode, an automated score was calculated to assess if this variant is too frequent to cause the disease. Based on the score and internal cut-off values, a variant classified as likely benign is not then subjected to further curation. The score for this variant resulted in a classification of likely benign for this disease.

GeneDx
Classification: Benign. Last evaluated: 2017-08-03. Review status: criteria provided, single submitter. Criteria: GeneDx Variant Classification (06012015). Collection method: clinical testing. Allele origin: germline. Affected: yes.
Comment: This variant is considered likely benign or benign based on one or more of the following criteria: it is a conservative change, it occurs at a poorly conserved position in the protein, it is predicted to be benign by multiple in silico algorithms, and/or has population frequency not consistent with disease.

Laboratory for Molecular Medicine, Mass General Brigham Personalized Medicine
Classification: Benign. Last evaluated: 2012-05-07. Review status: criteria provided, single submitter. Criteria: LMM Criteria. Collection method: clinical testing. Allele origin: germline. Observed: 257 variant alleles.
Comment: "Asp208Asp in Exon 08 of MYO3A: This variant is not expected to have clinical si gnificance because it does not alter an amino acid residue, is not located withi n the splice consensus sequence, and has been identified in 9.6% (677/7020) of E uropean American chromosomes from a broad population by the NHLBI Exome Sequenci ng Project (dbSNP rs35010955)."

Breakthrough Genomics
Classification: Likely benign. Review status: criteria provided, single submitter. Criteria: ACMG Guidelines, 2015. Collection method: not provided. Allele origin: germline. Inheritance: Autosomal recessive inheritance. Affected: yes.

PreventionGenetics, part of Exact Sciences
Classification: Benign. Review status: criteria provided, single submitter. Criteria: ACMG Guidelines, 2015. Collection method: clinical testing. Allele origin: germline.

NM_017433.5(MYO3A):c.624C>T (p.Asp208=)

Gene: MYO3A (myosin IIIA; plus strand). Cytogenetic location: 10p12.1.
Variant type: single nucleotide variant.
Coding change: c.624C>T on transcript NM_017433.5 (MANE Select); coding-DNA position 624, C replaced by T.
Protein change: p.Asp208=; no amino-acid change (aspartic acid 208 retained).
Molecular consequence: synonymous variant.
Genome position (GRCh38, 1-based): chr10:26,021,541, C>T. VCF-style: chr10-26021541-C-T. GRCh37 (hg19) VCF-style: chr10-26310470-C-T.
Other names: p.Asp208=; c.624C>T, p.Asp208= (NM_001368265.1).
Identifiers: ClinVar variation 45820 (VCV000045820.21), dbSNP rs35010955, ClinGen allele CA137101.
Genomic context (GRCh38, chr10:26,021,541, plus strand): 5'-TGATGGTGTGGTTTTCTACTAGGTGATTGCATGTGAACAGCAATTGGATACCACTTATGA[C>T]GCCAGATGTGACACTTGGTCCCTGGGTATCACGGCCATTGAGCTGGGTGATGGAGATCCT-3'
Protein context (NP_059129.3, residues 198-218): ACEQQLDTTY[Asp208=]ARCDTWSLGI